The following is an entry in ClinVar:

ClinVar aggregate classification (germline): Benign (1 of 4 stars; one submission).

Allele frequency attached by ClinVar (database versions not stated): gnomAD 0.28189 and 0.28322; TOPMed 0.28448; 1000 Genomes Project 30x 0.29247; 1000 Genomes Project 0.29353.
gnomAD v4.1: 43,034 of 152,184 alleles (28%); highest among the groups gnomAD compares: South Asian, 32%; 6,135 homozygotes.

Submission:

GeneDx
Classification: Benign. Last evaluated: 2018-06-14. Review status: criteria provided, single submitter. Criteria: GeneDx Variant Classification (06012015). Collection method: clinical testing. Allele origin: germline. Affected: yes.
Comment: This variant is considered likely benign or benign based on one or more of the following criteria: it is a conservative change, it occurs at a poorly conserved position in the protein, it is predicted to be benign by multiple in silico algorithms, and/or has population frequency not consistent with disease.

NM_014165.4(NDUFAF4):c.136+309C>T

Gene: NDUFAF4 (NADH:ubiquinone oxidoreductase complex assembly factor 4; minus strand). Cytogenetic location: 6q16.1.
Variant type: single nucleotide variant.
Coding change: c.136+309C>T on transcript NM_014165.4 (MANE Select); 309 bases into the intron after coding-DNA position 136, C replaced by T.
Molecular consequence: intron variant.
Genome position (GRCh38, 1-based): chr6:96,897,357, G>A on the plus strand (C>T on the coding strand, the complement: NDUFAF4 is on the minus strand). VCF-style: chr6-96897357-G-A. GRCh37 (hg19) VCF-style: chr6-97345233-G-A.
Identifiers: ClinVar variation 681227 (VCV000681227.1), dbSNP rs7771745, ClinGen allele CA12244086.
Genomic context (GRCh38, chr6:96,897,357, plus strand): 5'-AAAATTCCAGGTCAGGCTCTGCGTCCATCGTCCAGTGAAGACCCCTAGAGAAAGCTCTGT[G>A]ACCCTCTCGGATTTTGATTCCCTGTATCAAGTCCGTGACAGCAGCCGGCGAGGGCCTGGT-3'